The following is an entry in ClinVar:

NM_177438.3(DICER1):c.1559G>A (p.Ser520Asn)

Gene: DICER1 (dicer 1, ribonuclease III; minus strand). Cytogenetic location: 14q32.13.
Variant type: single nucleotide variant.
Coding change: c.1559G>A on transcript NM_177438.3 (MANE Select); coding-DNA position 1559, G replaced by A.
Protein change: p.Ser520Asn; replaces serine 520 with asparagine.
Molecular consequence: missense variant. On other transcripts: non-coding transcript variant (6), intron variant (1).
Genome position (GRCh38, 1-based): chr14:95,116,646, C>T on the plus strand (G>A on the coding strand, the complement: DICER1 is on the minus strand). VCF-style: chr14-95116646-C-T. GRCh37 (hg19) VCF-style: chr14-95582983-C-T.
Other names: c.1559G>A, p.Ser520Asn (NM_001195573.1, NM_001271282.3, NM_001291628.2 and 13 more transcripts); c.1277G>A, p.Ser426Asn (NM_001395686.1); c.1154G>A, p.Ser385Asn (NM_001395687.1, NM_001395688.1, NM_001395689.1 and 3 more transcripts); c.992G>A, p.Ser331Asn (NM_001395691.1); c.-59-66G>A (NM_001395697.1); short protein forms S385N, S331N, S426N, S520N.
Identifiers: ClinVar variation 1990637 (VCV001990637.4), dbSNP rs2140125949, ClinGen allele CA390885079.
Genomic context (GRCh38, chr14:95,116,646, plus strand): 5'-GGCAAATCAAAACGAACCACCAAGTTGCATTTTGGTATATCAACACCCTCTTCTACAATA[C>T]TTGTTGCAATAAGCAGGTTGGTCTCATGTGCTCGAAATTTCCTAAGTACCTGAAAAAAAA-3'
Protein context (NP_803187.1, residues 510-530): AHETNLLIAT[Ser520Asn]IVEEGVDIPK

ClinVar aggregate classification (germline): Uncertain significance (1 of 4 stars; one submission).

Conditions:
DICER1-related tumor predisposition. Also called: DICER1 syndrome; DICER1-related pleuropulmonary blastoma cancer predisposition syndrome. Identifiers: Orphanet 284343, MedGen C3839822, MONDO:0100216.

Submission:

Labcorp Genetics (formerly Invitae), Labcorp
Classification: Uncertain significance for DICER1-related tumor predisposition. Last evaluated: 2025-08-03. Review status: criteria provided, single submitter. Criteria: Invitae Variant Classification Sherloc (09022015). Collection method: clinical testing. Allele origin: germline.
Comment: This sequence change replaces serine, which is neutral and polar, with asparagine, which is neutral and polar, at codon 520 of the DICER1 protein (p.Ser520Asn). This variant is not present in population databases (gnomAD no frequency). This variant has not been reported in the literature in individuals affected with DICER1-related conditions. ClinVar contains an entry for this variant (Variation ID: 1990637). Invitae Evidence Modeling of protein sequence and biophysical properties (such as structural, functional, and spatial information, amino acid conservation, physicochemical variation, residue mobility, and thermodynamic stability) has been performed for this missense variant. However, the output from this modeling did not meet the statistical confidence thresholds required to predict the impact of this variant on DICER1 protein function. In summary, the available evidence is currently insufficient to determine the role of this variant in disease. Therefore, it has been classified as a Variant of Uncertain Significance.